The following is an entry in ClinVar:

NM_153704.6(TMEM67):c.2556+4T>G

Gene: TMEM67 (transmembrane protein 67; plus strand). Cytogenetic location: 8q22.1.
Variant type: single nucleotide variant.
Coding change: c.2556+4T>G on transcript NM_153704.6 (MANE Select); 4 bases into the intron after coding-DNA position 2556, T replaced by G.
Molecular consequence: intron variant.
Genome position (GRCh38, 1-based): chr8:93,808,960, T>G. VCF-style: chr8-93808960-T-G. GRCh37 (hg19) VCF-style: chr8-94821188-T-G.
Other names: c.2313+4T>G (NM_001142301.1).
Identifiers: ClinVar variation 363924 (VCV000363924.14), dbSNP rs772449181, ClinGen allele CA4808327.

ClinVar aggregate classification (germline): Conflicting classifications of pathogenicity. Review status: criteria provided, conflicting classifications (1 of 4 stars). 8 submissions from 6 submitters: Uncertain significance (7); Likely benign (1). Last evaluated 2025-07-28.

Conditions:
RHYNS syndrome. Also called: RETINITIS PIGMENTOSA SYNDROME; RETINITIS PIGMENTOSA, HYPOPITUITARISM, NEPHRONOPHTHISIS, AND MILD SKELETAL DYSPLASIA. Identifiers: Orphanet 140976, MedGen C1865794, MONDO:0011202, OMIM 602152.
Nephronophthisis 11 (NPHP11). Identifiers: Orphanet 84081, MedGen C3150796, MONDO:0013302, OMIM 613550.
Joubert syndrome 6 (JBTS6). Identifiers: Orphanet 475, MedGen C1853153, MONDO:0012539, OMIM 610688.
Bardet-Biedl syndrome 14 (BBS14). Identifiers: Orphanet 110, MedGen C2673874, MONDO:0014442, OMIM 615991.
COACH syndrome 1. Identifiers: Orphanet 1454, MedGen C5435651, MONDO:0800103, OMIM 216360, MONDO:0008996.
Meckel syndrome, type 3 (MKS3). Also called: MECKEL-GRUBER SYNDROME, TYPE 3. Identifiers: Orphanet 564, MedGen C1846357, MONDO:0011821, OMIM 607361.
TMEM67-related disorder. Also called: TMEM67-related condition; TMEM67-related disorders. Identifiers: MedGen CN239423.
Meckel-Gruber syndrome. Also called: DYSENCEPHALIA SPLANCHNOCYSTICA; GRUBER SYNDROME; Dysencephalia splachnocystica. Identifiers: Orphanet 564, MedGen C0265215, MONDO:0018921.
Joubert syndrome. Also called: Familial aplasia of the vermis; JOUBERT-BOLTSHAUSER SYNDROME. Identifiers: Orphanet 475, MedGen C5979921, MONDO:0018772.

Allele frequency attached by ClinVar (database versions not stated): gnomAD exomes 0.00002 and 0.00004; gnomAD 0.00003 and 0.00004; TOPMed 0.00003; ExAC 0.00004.
gnomAD v4.1: 45 of 1,565,816 alleles (0.0029%); highest among the groups gnomAD compares: Admixed American, 0.012%; 1 homozygote.

Submissions (8):

PreventionGenetics, part of Exact Sciences
Classification: Likely benign for TMEM67-related condition. Last evaluated: 2025-07-28. Review status: criteria provided, single submitter. Criteria: ACMG Guidelines, 2015. Collection method: clinical testing. Allele origin: germline.
Comment: This variant is classified as likely benign based on ACMG/AMP sequence variant interpretation guidelines (Richards et al. 2015 PMID: 25741868, with internal and published modifications).

Labcorp Genetics (formerly Invitae), Labcorp
Classification: Uncertain significance for Joubert syndrome; Meckel-Gruber syndrome. Last evaluated: 2024-12-02. Review status: criteria provided, single submitter. Criteria: Invitae Variant Classification Sherloc (09022015). Collection method: clinical testing. Allele origin: germline.
Comment: This sequence change falls in intron 24 of the TMEM67 gene. It does not directly change the encoded amino acid sequence of the TMEM67 protein. It affects a nucleotide within the consensus splice site. This variant is present in population databases (rs772449181, gnomAD 0.02%). This variant has not been reported in the literature in individuals affected with TMEM67-related conditions. ClinVar contains an entry for this variant (Variation ID: 363924). Variants that disrupt the consensus splice site are a relatively common cause of aberrant splicing (PMID: 17576681, 9536098). Algorithms developed to predict the effect of sequence changes on RNA splicing suggest that this variant is not likely to affect RNA splicing. In summary, the available evidence is currently insufficient to determine the role of this variant in disease. Therefore, it has been classified as a Variant of Uncertain Significance.

Women's Health and Genetics/Laboratory Corporation of America, LabCorp
Classification: Uncertain significance. Last evaluated: 2024-06-17. Review status: criteria provided, single submitter. Criteria: LabCorp Variant Classification Summary - May 2015. Collection method: clinical testing. Allele origin: germline.

Fulgent Genetics
Classification: Uncertain significance for COACH syndrome 1; RHYNS syndrome; Meckel syndrome, type 3; Joubert syndrome 6; Nephronophthisis 11; Bardet-Biedl syndrome 14. Last evaluated: 2024-04-08. Review status: criteria provided, single submitter. Criteria: ACMG Guidelines, 2015. Collection method: clinical testing. Allele origin: germline.

AiLife Diagnostics
Classification: Uncertain significance. Last evaluated: 2022-01-14. Review status: criteria provided, single submitter. Criteria: ACMG Guidelines, 2015. Collection method: clinical testing. Allele origin: germline. Affected: yes. Observed: 1 variant allele.

Illumina Laboratory Services, Illumina
Classification: Uncertain significance for Joubert syndrome 6. Last evaluated: 2018-01-12. Review status: criteria provided, single submitter. Criteria: ICSL Variant Classification Criteria 13 December 2019. Collection method: clinical testing. Allele origin: germline.

Illumina Laboratory Services, Illumina
Classification: Uncertain significance for Nephronophthisis 11. Last evaluated: 2018-01-12. Review status: criteria provided, single submitter. Criteria: ICSL Variant Classification Criteria 13 December 2019. Collection method: clinical testing. Allele origin: germline.

Illumina Laboratory Services, Illumina
Classification: Uncertain significance for Meckel syndrome, type 3. Last evaluated: 2018-01-12. Review status: criteria provided, single submitter. Criteria: ICSL Variant Classification Criteria 13 December 2019. Collection method: clinical testing. Allele origin: germline.

Literature cited by the submitters: PubMed 17576681 (cited by Labcorp Genetics (formerly Invitae), Labcorp); PubMed 9536098 (cited by Labcorp Genetics (formerly Invitae), Labcorp).